The following is an entry in ClinVar:

NM_000722.4(CACNA2D1):c.612G>T (p.Leu204Phe)

Gene: CACNA2D1 (calcium voltage-gated channel auxiliary subunit alpha2delta 1; minus strand). Cytogenetic location: 7q21.11.
Variant type: single nucleotide variant.
Coding change: c.612G>T on transcript NM_000722.4 (MANE Select); coding-DNA position 612, G replaced by T.
Protein change: p.Leu204Phe; replaces leucine 204 with phenylalanine.
Molecular consequence: missense variant.
Genome position (GRCh38, 1-based): chr7:82,084,815, C>A on the plus strand (G>T on the coding strand, the complement: CACNA2D1 is on the minus strand). VCF-style: chr7-82084815-C-A. GRCh37 (hg19) VCF-style: chr7-81714131-C-A.
Other names: NC_000007.13:g.81714131C>A; c.612G>T, p.Leu204Phe (NM_001302890.2, NM_001366867.1); short protein forms L204F.
Identifiers: ClinVar variation 1751789 (VCV001751789.3), dbSNP rs1231904706, ClinGen allele CA368016734.
Genomic context (GRCh38, chr7:82,084,815, plus strand): 5'-CACTAAGCACCTACCTGGATAATATCGAGCTAGGCCAGTGGCACTGCCAAAAACCTGCCA[C>A]AATAATGAAGGGTCTTCCTCGCGATTCTTTTTGAAAACTTCATCTAAGGCACTTGTCCAG-3'
Protein context (NP_000713.2, residues 194-214): KKNREEDPSL[Leu204Phe]WQVFGSATGL

ClinVar aggregate classification (germline): Uncertain significance (1 of 4 stars; one submission).

Conditions:
Cardiovascular phenotype. Identifiers: MedGen CN230736.

Allele frequency attached by ClinVar (database versions not stated): gnomAD exomes below 0.00001.
gnomAD v4.1: 1 of 1,613,980 alleles (0.000062%); highest among the groups gnomAD compares: Non-Finnish European, 0.000085%; no homozygotes.

Submissions (2):

Ambry Genetics
Classification: Uncertain significance for Cardiovascular phenotype. Last evaluated: 2019-09-11. Review status: criteria provided, single submitter. Criteria: Ambry Variant Classification Scheme 2023. Collection method: clinical testing. Allele origin: germline.
Comment: The p.L204F variant (also known as c.612G>T), located in coding exon 7 of the CACNA2D1 gene, results from a G to T substitution at nucleotide position 612. The leucine at codon 204 is replaced by phenylalanine, an amino acid with highly similar properties. This amino acid position is highly conserved in available vertebrate species. In addition, the in silico prediction for this alteration is inconclusive. Since supporting evidence is limited at this time, the clinical significance of this alteration remains unclear.

Dr. Peter K. Rogan Lab, Western University
No classification provided (evidence only). Condition: Ovarian serous cystadenocarcinoma. Review status: no classification provided. Collection method: in vitro. Allele origin: not applicable. Functional consequence: retained intron. Not counted in ClinVar's aggregate classification.